The following is an entry in ClinVar:

NM_005585.5(SMAD6):c.817+3G>T

Gene: SMAD6 (SMAD family member 6; plus strand). Cytogenetic location: 15q22.31.
Variant type: single nucleotide variant.
Coding change: c.817+3G>T on transcript NM_005585.5 (MANE Select); 3 bases into the intron after coding-DNA position 817, G replaced by T.
Molecular consequence: intron variant.
Genome position (GRCh38, 1-based): chr15:66,704,078, G>T. VCF-style: chr15-66704078-G-T. GRCh37 (hg19) VCF-style: chr15-66996416-G-T.
Identifiers: ClinVar variation 2501916 (VCV002501916.2), dbSNP rs2545313391, ClinGen allele CA2580613864.

ClinVar aggregate classification (germline): Uncertain significance (1 of 4 stars; one submission).

gnomAD v4.1: 1 of 1,476,432 alleles (0.000068%); highest among the groups gnomAD compares: Non-Finnish European, 0.000089%; no homozygotes.

Submission:

GeneDx
Classification: Uncertain significance. Last evaluated: 2026-08-11. Review status: criteria provided, single submitter. Criteria: GeneDx Variant Classification Process June 2021. Collection method: clinical testing. Allele origin: germline.
Comment: Not observed at significant frequency in large population cohorts (gnomAD); Has not been previously published as pathogenic or benign to our knowledge; In silico analysis is inconclusive as to whether the variant alters gene splicing. In the absence of RNA/functional studies, the actual effect of this sequence change is unknown.